The following is an entry in ClinVar:

ClinVar aggregate classification (germline): Likely benign. Review status: criteria provided, multiple submitters, no conflicts (2 of 4 stars). 3 submissions from 3 submitters: Likely benign (3). Last evaluated 2026-01-07.

Allele frequency attached by ClinVar (database versions not stated): gnomAD exomes below 0.00001 and 0.00001; ExAC 0.00002.
gnomAD v4.1: 11 of 1,614,150 alleles (0.00068%); highest among the groups gnomAD compares: East Asian, 0.0022%; no homozygotes.

Submissions (3):

Labcorp Genetics (formerly Invitae), Labcorp
Classification: Likely benign. Last evaluated: 2026-01-07. Review status: criteria provided, single submitter. Criteria: Invitae Variant Classification Sherloc (09022015). Collection method: clinical testing. Allele origin: germline.

CeGaT Center for Human Genetics Tuebingen
Classification: Likely benign. Last evaluated: 2023-02-01. Review status: criteria provided, single submitter. Criteria: CeGaT Center For Human Genetics Tuebingen Variant Classification Criteria Version 2. Collection method: clinical testing. Allele origin: germline. Affected: yes. Observed: 1 variant allele.
Comment: COL11A2: BP4, BP7

GeneDx
Classification: Likely benign. Last evaluated: 2020-03-06. Review status: criteria provided, single submitter. Criteria: GeneDx Variant Classification Process June 2021. Collection method: clinical testing. Allele origin: germline. Affected: yes.

NM_080680.3(COL11A2):c.300C>G (p.Leu100=)

Gene: COL11A2 (collagen type XI alpha 2 chain; minus strand). Cytogenetic location: 6p21.32.
Variant type: single nucleotide variant.
Coding change: c.300C>G on transcript NM_080680.3 (MANE Select); coding-DNA position 300, C replaced by G.
Protein change: p.Leu100=; no amino-acid change (leucine 100 retained).
Molecular consequence: synonymous variant.
Genome position (GRCh38, 1-based): chr6:33,189,121, G>C on the plus strand (C>G on the coding strand, the complement: COL11A2 is on the minus strand). VCF-style: chr6-33189121-G-C. GRCh37 (hg19) VCF-style: chr6-33156898-G-C.
Other names: c.300C>G, p.Leu100= (NM_001163771.2, NM_080679.3, NM_080681.3).
Identifiers: ClinVar variation 1126774 (VCV001126774.35), dbSNP rs773467866, ClinGen allele CA3751696.
Genomic context (GRCh38, chr6:33,189,121, plus strand): 5'-GACAGGTCGGCCCAGCTCCAGGCCCAGCTGTCGGACACCCTGGGCACTGTAGAGAGTCAG[G>C]AGGGGAGCTTGGAGACCAGGGCGGGTCCGGACAACAGTCAGCAGAGAGAAATCTTTGGGA-3'
Protein context (NP_542411.2, residues 90-110): VRTRPGLQAP[Leu100=]LTLYSAQGVR